The following is an entry in ClinVar:

ClinVar aggregate classification (germline): Pathogenic. Review status: criteria provided, single submitter (1 of 4 stars). 3 submissions from 2 submitters: Pathogenic (1). 2 of the submissions do not count toward it. Last evaluated 2022-05-28.

Conditions:
Progressive osseous heteroplasia (POH). Also called: Osseus Heteroplasia, Progressive; Progressive Osseus Heteroplasia (POH); ECTOPIC OSSIFICATION, FAMILIAL; Osteoma cutis. Identifiers: Orphanet 2762, MedGen C0334041, MONDO:0008153, OMIM 166350, HP:0025027.
Pseudohypoparathyroidism (PHP1A). Identifiers: Orphanet 79443, Orphanet 97593, MedGen C0033806, MONDO:0019992, HP:0000852.

Submissions (3):

Labcorp Genetics (formerly Invitae), Labcorp
Classification: Pathogenic. Last evaluated: 2022-05-28. Review status: criteria provided, single submitter. Criteria: Invitae Variant Classification Sherloc (09022015). Collection method: clinical testing. Allele origin: germline.
Comment: This sequence change creates a premature translational stop signal (p.Val287Aspfs*12) in the GNAS gene. It is expected to result in an absent or disrupted protein product. Loss-of-function variants in GNAS are known to be pathogenic (PMID: 11784876, 23281139, 23796510, 25802881). This variant is not present in population databases (gnomAD no frequency). This premature translational stop signal has been observed in individual(s) with autosomal dominant pseudohypoparathyroidism type 1A (PMID: 33422028). This variant is also known as c.2787_2788del (p.Val930AspfsTer12). For these reasons, this variant has been classified as Pathogenic.

OMIM
Classification: Pathogenic for OSSEOUS HETEROPLASIA, PROGRESSIVE. Last evaluated: 2003-04-01. Review status: no assertion criteria provided. Collection method: literature only. Allele origin: germline. Not counted in ClinVar's aggregate classification.

OMIM
Classification: Pathogenic for PSEUDOHYPOPARATHYROIDISM, TYPE IA. Last evaluated: 2000-11-01. Review status: no assertion criteria provided. Collection method: literature only. Allele origin: germline. Not counted in ClinVar's aggregate classification.

Literature cited by the submitters: PubMed 11784876 (cited by Labcorp Genetics (formerly Invitae), Labcorp); PubMed 23281139 (cited by Labcorp Genetics (formerly Invitae), Labcorp); PubMed 23796510 (cited by Labcorp Genetics (formerly Invitae), Labcorp); PubMed 25802881 (cited by Labcorp Genetics (formerly Invitae), Labcorp); PubMed 33422028 (cited by Labcorp Genetics (formerly Invitae), Labcorp); PubMed 12605446 (cited by OMIM); PubMed 11095461 (cited by OMIM).

NM_000516.7(GNAS):c.860_861del (p.Val287fs)

Gene: GNAS (GNAS complex locus; plus strand). Cytogenetic location: 20q13.32.
Variant type: Microsatellite.
Coding change: c.860_861del on transcript NM_000516.7 (MANE Select); coding-DNA positions 860 to 861, 2 bases deleted (TG; older notation c.860_861delTG).
Protein change: p.Val287fs; shifts the reading frame from valine 287.
Molecular consequence: frameshift variant. On other transcripts: 3 prime UTR variant (2).
Genome position (GRCh38, 1-based): chr20:58,909,971-58,909,972, TG deleted; deleting any 2 consecutive bases within chr20:58,909,969-58,909,972 gives the same sequence; the c. name uses the placement nearest the transcript's 3' end. VCF-style (leftmost placement, unchanged base first): chr20-58909968-CTG-C. GRCh37 (hg19) VCF-style: chr20-57485023-CTG-C.
Other names: c.863_864del, p.Val288fs (NM_001077488.5); c.815_816del, p.Val272fs (NM_001077489.4); c.*719TG[1] (NM_001077490.3); c.683_684del, p.Val228fs (NM_001309840.2, NM_001309861.2); c.762_763TG[1], p.Val255Aspfs (NM_001410912.1); c.2742_2743TG[1], p.Val915Aspfs (NM_001410913.1); c.*764TG[1] (NM_016592.5); c.2789_2790del, p.Val930fs (NM_080425.4); and 1 more; short protein forms V272fs, V273fs, V288fs, V930fs, V228fs, V287fs.
Identifiers: ClinVar variation 15951 (VCV000015951.7), dbSNP rs2146290056, ClinGen allele CA2580616353.
Genomic context (GRCh38, chr20:58,909,968, plus strand): 5'-AGCGCGCTTCTCCCAAGCATTCACACGGCCTCCCTTCTTGTAGATGGCTGCGCACCATCT[CTG>C]TGATCCTGTTCCTCAACAAGCAAGATCTGCTCGCTGAGAAAGTCCTTGCTGGGAAATCGA-3'